The following is an entry in ClinVar:

NM_004727.3(SLC24A1):c.61C>A (p.His21Asn)

Gene: SLC24A1 (solute carrier family 24 member 1; plus strand). Cytogenetic location: 15q22.31.
Variant type: single nucleotide variant.
Coding change: c.61C>A on transcript NM_004727.3 (MANE Select); coding-DNA position 61, C replaced by A.
Protein change: p.His21Asn; replaces histidine 21 with asparagine.
Molecular consequence: missense variant.
Genome position (GRCh38, 1-based): chr15:65,624,141, C>A. VCF-style: chr15-65624141-C-A. GRCh37 (hg19) VCF-style: chr15-65916479-C-A.
Other names: c.61C>A (NM_004727.2); c.61C>A, p.His21Asn (NM_001301031.1, NM_001301032.1, NM_001301033.2); short protein forms H21N.
Identifiers: ClinVar variation 1492493 (VCV001492493.6), dbSNP rs1252577689, ClinGen allele CA392912321.

ClinVar aggregate classification (germline): Uncertain significance. Review status: criteria provided, multiple submitters, no conflicts (2 of 4 stars). 2 submissions from 2 submitters: Uncertain significance (2). Last evaluated 2025-08-07.

Conditions:
Inborn genetic diseases. Identifiers: MedGen C0950123, MeSH D030342.

Allele frequency attached by ClinVar (database versions not stated): gnomAD 0.00001 and 0.00002; gnomAD exomes 0.00002.
gnomAD v4.1: 34 of 1,613,212 alleles (0.0021%); highest among the groups gnomAD compares: Non-Finnish European, 0.0028%; no homozygotes.

Submissions (2):

Ambry Genetics
Classification: Uncertain significance for Inborn genetic diseases. Last evaluated: 2025-08-07. Review status: criteria provided, single submitter. Criteria: Ambry Variant Classification Scheme 2023. Collection method: clinical testing. Allele origin: germline.

Labcorp Genetics (formerly Invitae), Labcorp
Classification: Uncertain significance. Last evaluated: 2021-08-31. Review status: criteria provided, single submitter. Criteria: Invitae Variant Classification Sherloc (09022015). Collection method: clinical testing. Allele origin: germline.
Comment: This sequence change replaces histidine with asparagine at codon 21 of the SLC24A1 protein (p.His21Asn). The histidine residue is weakly conserved and there is a small physicochemical difference between histidine and asparagine. This variant is not present in population databases (ExAC no frequency). This variant has not been reported in the literature in individuals affected with SLC24A1-related conditions. Algorithms developed to predict the effect of missense changes on protein structure and function are either unavailable or do not agree on the potential impact of this missense change (SIFT: "Deleterious"; PolyPhen-2: "Benign"; Align-GVGD: "Class C0"). In summary, the available evidence is currently insufficient to determine the role of this variant in disease. Therefore, it has been classified as a Variant of Uncertain Significance.